The following is an entry in ClinVar:

NM_145262.4(GLYCTK):c.962G>A (p.Arg321Gln)

Gene: GLYCTK (glycerate kinase; plus strand). Cytogenetic location: 3p21.2.
Variant type: single nucleotide variant.
Coding change: c.962G>A on transcript NM_145262.4 (MANE Select); coding-DNA position 962, G replaced by A.
Protein change: p.Arg321Gln; replaces arginine 321 with glutamine.
Molecular consequence: missense variant. On other transcripts: 3 prime UTR variant (1), non-coding transcript variant (3).
Genome position (GRCh38, 1-based): chr3:52,292,516, G>A. VCF-style: chr3-52292516-G-A. GRCh37 (hg19) VCF-style: chr3-52326532-G-A.
Other names: c.*81G>A (NM_001144951.2); short protein forms R321Q.
Identifiers: ClinVar variation 2636899 (VCV002636899.4), dbSNP rs760568952, ClinGen allele CA2432227.

ClinVar aggregate classification (germline): Uncertain significance. Review status: criteria provided, single submitter (1 of 4 stars). 2 submissions from 2 submitters: Uncertain significance (1). 1 of the submissions does not count toward it. Last evaluated 2025-09-09.

Conditions:
GLYCTK-related disorder. Also called: GLYCTK-related condition.

Allele frequency attached by ClinVar (database versions not stated): ExAC 0.00002; TOPMed 0.00002.

Submissions (2):

Ambry Genetics
Classification: Uncertain significance. Last evaluated: 2025-09-09. Review status: criteria provided, single submitter. Criteria: Ambry Variant Classification Scheme 2023. Collection method: clinical testing. Allele origin: germline.

PreventionGenetics, part of Exact Sciences
Classification: Uncertain significance for GLYCTK-related condition. Last evaluated: 2024-01-22. Review status: no assertion criteria provided. Collection method: clinical testing. Allele origin: germline. Not counted in ClinVar's aggregate classification.
Comment: The GLYCTK c.962G>A variant is predicted to result in the amino acid substitution p.Arg321Gln. To our knowledge, this variant has not been reported in the literature. This variant is reported in 0.0047% of alleles in individuals of European (Finnish) descent in gnomAD. At this time, the clinical significance of this variant is uncertain due to the absence of conclusive functional and genetic evidence.